The following is an entry in ClinVar:

NM_020207.7(ERCC6L2):c.736A>G (p.Ile246Val)

Gene: ERCC6L2 (ERCC excision repair 6 like 2; plus strand). Cytogenetic location: 9q22.32.
Variant type: single nucleotide variant.
Coding change: c.736A>G on transcript NM_020207.7 (MANE Select); coding-DNA position 736, A replaced by G.
Protein change: p.Ile246Val; replaces isoleucine 246 with valine.
Molecular consequence: missense variant. On other transcripts: non-coding transcript variant (1).
Genome position (GRCh38, 1-based): chr9:95,907,219, A>G. VCF-style: chr9-95907219-A-G. GRCh37 (hg19) VCF-style: chr9-98669501-A-G.
Other names: c.736A>G, p.Ile246Val (NM_001010895.4, NM_001375291.1, NM_001375292.1 and 2 more transcripts); short protein forms I246V.
Identifiers: ClinVar variation 3845921 (VCV003845921.1).

ClinVar aggregate classification (germline): Uncertain significance (1 of 4 stars; one submission).

Conditions:
Inborn genetic diseases. Identifiers: MedGen C0950123, MeSH D030342.

Submission:

Ambry Genetics
Classification: Uncertain significance for Inborn genetic diseases. Last evaluated: 2025-02-06. Review status: criteria provided, single submitter. Criteria: Ambry Variant Classification Scheme 2023. Collection method: clinical testing. Allele origin: germline.
Comment: The p.I246V variant (also known as c.736A>G), located in coding exon 4 of the ERCC6L2 gene, results from an A to G substitution at nucleotide position 736. The isoleucine at codon 246 is replaced by valine, an amino acid with highly similar properties. This amino acid position is conserved. In addition, this alteration is predicted to be tolerated by in silico analysis. Based on the available evidence, the clinical significance of this variant remains unclear.